The following is an entry in ClinVar:

NM_020458.4(TTC7A):c.101G>A (p.Arg34Gln)

Genes: MCFD2 (multiple coagulation factor deficiency 2, ER cargo receptor complex subunit; minus strand), TTC7A (tetratricopeptide repeat domain 7A; plus strand). Cytogenetic location: 2p21.
Variant type: single nucleotide variant.
Coding change: c.101G>A on transcript NM_020458.4 (MANE Select); coding-DNA position 101, G replaced by A.
Protein change: p.Arg34Gln; replaces arginine 34 with glutamine.
Molecular consequence: missense variant. On other transcripts: 5 prime UTR variant (2), intron variant (1).
Genome position (GRCh38, 1-based): chr2:46,941,642, G>A. VCF-style: chr2-46941642-G-A. GRCh37 (hg19) VCF-style: chr2-47168781-G-A.
Other names: c.101G>A, p.Arg34Gln (NM_001288951.2); c.-804G>A (NM_001288955.2); c.-77C>T (NM_001171508.2); c.22C>T, p.Arg8Trp (NM_001171511.3); c.83-8721G>A (NM_001288953.2); short protein forms R34Q, R8W.
Identifiers: ClinVar variation 1057166 (VCV001057166.7), dbSNP rs1156510458, ClinGen allele CA346715722.

ClinVar aggregate classification (germline): Uncertain significance (1 of 4 stars; one submission).

Conditions:
Multiple gastrointestinal atresias. Also called: FAMILIAL INTESTINAL POLYATRESIA SYNDROME; Multiple intestinal atresia. Identifiers: Orphanet 2300, MedGen C0220744, MONDO:0009465.

Allele frequency attached by ClinVar (database versions not stated): gnomAD 0.00001.
gnomAD v4.1: 5 of 1,553,044 alleles (0.00032%); highest among the groups gnomAD compares: Middle Eastern, 0.017%; no homozygotes.

Submission:

Labcorp Genetics (formerly Invitae), Labcorp
Classification: Uncertain significance for Multiple gastrointestinal atresias. Last evaluated: 2022-09-13. Review status: criteria provided, single submitter. Criteria: Invitae Variant Classification Sherloc (09022015). Collection method: clinical testing. Allele origin: germline.
Comment: This variant has not been reported in the literature in individuals affected with TTC7A-related conditions. This variant is not present in population databases (gnomAD no frequency). This sequence change replaces arginine, which is basic and polar, with glutamine, which is neutral and polar, at codon 34 of the TTC7A protein (p.Arg34Gln). ClinVar contains an entry for this variant (Variation ID: 1057166). In summary, the available evidence is currently insufficient to determine the role of this variant in disease. Therefore, it has been classified as a Variant of Uncertain Significance. Algorithms developed to predict the effect of missense changes on protein structure and function (SIFT, PolyPhen-2, Align-GVGD) all suggest that this variant is likely to be tolerated.